The following is an entry in ClinVar:

ClinVar aggregate classification (germline): Benign (1 of 4 stars; one submission).

Conditions:
Familial colorectal cancer type X. Identifiers: Orphanet 440437, MedGen C3896578, MONDO:0018604.

Submission:

Myriad Genetics, Inc.
Classification: Benign for Familial colorectal cancer type X. Last evaluated: 2026-08-05. Review status: criteria provided, single submitter. Criteria: Myriad Autosomal Dominant, Autosomal Recessive and X-Linked Classification Criteria (2023). Collection method: clinical testing. Allele origin: unknown.
Comment: This variant is considered benign. This variant is a silent/synonymous amino acid change and it is not expected to impact splicing.

NM_001146227.3(RPS20):c.429A>G (p.Ter143=)

Gene: RPS20 (ribosomal protein S20; minus strand). Cytogenetic location: 8q12.1.
Variant type: single nucleotide variant.
Coding change: c.429A>G on transcript NM_001146227.3; coding-DNA position 429, A replaced by G.
Protein change: p.Ter143=.
Molecular consequence: synonymous variant.
Genome position (GRCh38, 1-based): chr8:56,069,738, T>C on the plus strand (A>G on the coding strand, the complement: RPS20 is on the minus strand). VCF-style: chr8-56069738-T-C. GRCh37 (hg19) VCF-style: chr8-56982297-T-C.
Identifiers: ClinVar variation 5042252 (VCV005042252.1).